The following is an entry in ClinVar:

NM_001794.5(CDH4):c.1032G>A (p.Ala344=)

Gene: CDH4 (cadherin 4; plus strand). Cytogenetic location: 20q13.33.
Variant type: single nucleotide variant.
Coding change: c.1032G>A on transcript NM_001794.5 (MANE Select); coding-DNA position 1032, G replaced by A.
Protein change: p.Ala344=; no amino-acid change (alanine 344 retained).
Molecular consequence: synonymous variant.
Genome position (GRCh38, 1-based): chr20:61,873,882, G>A. VCF-style: chr20-61873882-G-A. GRCh37 (hg19) VCF-style: chr20-60448938-G-A.
Other names: c.921G>A, p.Ala307= (NM_001252338.2); c.810G>A, p.Ala270= (NM_001252339.3).
Identifiers: ClinVar variation 726658 (VCV000726658.27), dbSNP rs78133836, ClinGen allele CA9934565.

ClinVar aggregate classification (germline): Benign/Likely benign. Review status: criteria provided, multiple submitters, no conflicts (2 of 4 stars). 2 submissions from 2 submitters: Benign (1); Likely benign (1). Last evaluated 2024-10-01.

Allele frequency attached by ClinVar (database versions not stated): gnomAD exomes 0.00215; gnomAD 0.00233; ExAC 0.00234; TOPMed 0.00295; ESP Exome Variant Server 0.00323; 1000 Genomes Project 0.00060; 1000 Genomes Project 30x 0.00062.
gnomAD v4.1: 4,780 of 1,613,858 alleles (0.3%); highest among the groups gnomAD compares: Non-Finnish European, 0.37%; 13 homozygotes.

Submissions (2):

CeGaT Center for Human Genetics Tuebingen
Classification: Likely benign. Last evaluated: 2024-10-01. Review status: criteria provided, single submitter. Criteria: CeGaT Center For Human Genetics Tuebingen Variant Classification Criteria Version 2. Collection method: clinical testing. Allele origin: germline. Affected: yes. Observed: 3 variant alleles.
Comment: CDH4: BP4, BP7

Labcorp Genetics (formerly Invitae), Labcorp
Classification: Benign. Last evaluated: 2018-06-29. Review status: criteria provided, single submitter. Criteria: Invitae Variant Classification Sherloc (09022015). Collection method: clinical testing. Allele origin: germline.